The following is an entry in ClinVar:

ClinVar aggregate classification (germline): Uncertain significance. Review status: criteria provided, multiple submitters, no conflicts (2 of 4 stars). 2 submissions from 2 submitters: Uncertain significance (2). Last evaluated 2022-01-04.

Conditions:
Lafora disease. Also called: Epilepsy progressive myoclonic 2. Identifiers: Orphanet 501, MedGen C0751783, MONDO:0009697.
Inborn genetic diseases. Identifiers: MedGen C0950123, MeSH D030342.

Allele frequency attached by ClinVar (database versions not stated): gnomAD exomes below 0.00001 and 0.00001; ExAC 0.00001; gnomAD 0.00001; TOPMed 0.00002.
gnomAD v4.1: 4 of 1,613,964 alleles (0.00025%); highest among the groups gnomAD compares: Admixed American, 0.0017%; no homozygotes.

Submissions (2):

Labcorp Genetics (formerly Invitae), Labcorp
Classification: Uncertain significance for Lafora disease. Last evaluated: 2022-01-04. Review status: criteria provided, single submitter. Criteria: Invitae Variant Classification Sherloc (09022015). Collection method: clinical testing. Allele origin: germline.
Comment: This sequence change replaces valine, which is neutral and non-polar, with alanine, which is neutral and non-polar, at codon 200 of the NHLRC1 protein (p.Val200Ala). This variant is present in population databases (rs746239356, gnomAD 0.003%). This variant has not been reported in the literature in individuals affected with NHLRC1-related conditions. ClinVar contains an entry for this variant (Variation ID: 1014856). Algorithms developed to predict the effect of missense changes on protein structure and function output the following: SIFT: "Tolerated"; PolyPhen-2: "Benign"; Align-GVGD: "Class C0". The alanine amino acid residue is found in multiple mammalian species, which suggests that this missense change does not adversely affect protein function. In summary, the available evidence is currently insufficient to determine the role of this variant in disease. Therefore, it has been classified as a Variant of Uncertain Significance.

Ambry Genetics
Classification: Uncertain significance for Inborn genetic diseases. Last evaluated: 2021-06-11. Review status: criteria provided, single submitter. Criteria: Ambry Variant Classification Scheme 2023. Collection method: clinical testing. Allele origin: germline.

NM_198586.3(NHLRC1):c.599T>C (p.Val200Ala)

Gene: NHLRC1 (NHL repeat containing E3 ubiquitin protein ligase 1; minus strand). Cytogenetic location: 6p22.3.
Variant type: single nucleotide variant.
Coding change: c.599T>C on transcript NM_198586.3 (MANE Select); coding-DNA position 599, T replaced by C.
Protein change: p.Val200Ala; replaces valine 200 with alanine.
Molecular consequence: missense variant.
Genome position (GRCh38, 1-based): chr6:18,122,008, A>G on the plus strand (T>C on the coding strand, the complement: NHLRC1 is on the minus strand). VCF-style: chr6-18122008-A-G. GRCh37 (hg19) VCF-style: chr6-18122239-A-G.
Other names: c.599T>C (NM_198586.2); short protein forms V200A.
Identifiers: ClinVar variation 1014856 (VCV001014856.7), dbSNP rs746239356, ClinGen allele CA3649973.